The following is an entry in ClinVar:

ClinVar aggregate classification (germline): Uncertain significance (1 of 4 stars; one submission).

Submission:

GeneDx
Classification: Uncertain significance. Last evaluated: 2025-05-19. Review status: criteria provided, single submitter. Criteria: GeneDx Variant Classification Process June 2021. Collection method: clinical testing. Allele origin: germline. Affected: yes.
Comment: Nonsense variant predicted to result in protein truncation as the last 42 amino acid(s) are lost with an unclear effect on protein function; Not observed at significant frequency in large population cohorts (gnomAD); Has not been previously published as pathogenic or benign to our knowledge

NM_014927.5(CNKSR2):c.2979C>G (p.Tyr993Ter)

Gene: CNKSR2 (connector enhancer of kinase suppressor of Ras 2; plus strand). Cytogenetic location: Xp22.12.
Variant type: single nucleotide variant.
Coding change: c.2979C>G on transcript NM_014927.5 (MANE Select); coding-DNA position 2979, C replaced by G.
Protein change: p.Tyr993Ter; replaces tyrosine 993 with a stop codon.
Molecular consequence: nonsense.
Genome position (GRCh38, 1-based): chrX:21,652,395, C>G. VCF-style: chrX-21652395-C-G. GRCh37 (hg19) VCF-style: chrX-21670513-C-G.
Other names: c.2889C>G, p.Tyr963Ter (NM_001168647.3); c.2832C>G, p.Tyr944Ter (NM_001330770.2); c.2742C>G, p.Tyr914Ter (NM_001330772.2); short protein forms Y914*, Y944*, Y963*, Y993*.
Identifiers: ClinVar variation 4530935 (VCV004530935.1).